The following is an entry in ClinVar:

ClinVar aggregate classification (germline): Likely benign (1 of 4 stars; one submission).

gnomAD v4.1: 20 of 1,613,744 alleles (0.0012%); highest among the groups gnomAD compares: South Asian, 0.0022%; no homozygotes.

Submission:

CeGaT Center for Human Genetics Tuebingen
Classification: Likely benign. Last evaluated: 2022-04-01. Review status: criteria provided, single submitter. Criteria: CeGaT Center For Human Genetics Tuebingen Variant Classification Criteria Version 2. Collection method: clinical testing. Allele origin: germline. Affected: yes. Observed: 1 variant allele.
Comment: NIPA1: BP4, BP7

NM_144599.5(NIPA1):c.897G>A (p.Thr299=)

Gene: NIPA1 (NIPA magnesium transporter 1; plus strand). Cytogenetic location: 15q11.2.
Variant type: single nucleotide variant.
Coding change: c.897G>A on transcript NM_144599.5 (MANE Select); coding-DNA position 897, G replaced by A.
Protein change: p.Thr299=; no amino-acid change (threonine 299 retained).
Molecular consequence: synonymous variant.
Genome position (GRCh38, 1-based): chr15:22,824,146, G>A. VCF-style: chr15-22824146-G-A. GRCh37 (hg19) VCF-style: chr15-23048922-C-T.
Other names: c.672G>A, p.Thr224= (NM_001142275.1).
Identifiers: ClinVar variation 1675550 (VCV001675550.33), dbSNP rs368507906, ClinGen allele CA489218080.